The following is an entry in ClinVar:

ClinVar aggregate classification (germline): Benign (1 of 4 stars; one submission).

Conditions:
Autosomal recessive proximal renal tubular acidosis (PRTAO). Also called: RTA, PROXIMAL, AUTOSOMAL RECESSIVE; RENAL TUBULAR ACIDOSIS, PROXIMAL, WITH OCULAR ABNORMALITIES AND MENTAL RETARDATION; RENAL TUBULAR ACIDOSIS, PROXIMAL, WITH OCULAR ABNORMALITIES AND IMPAIRED INTELLECTUAL DEVELOPMENT; PROXIMAL RENAL TUBULAR ACIDOSIS-OCULAR ANOMALY SYNDROME. Identifiers: Orphanet 93607, MedGen C1970309, MONDO:0011422, OMIM 604278.

Allele frequency attached by ClinVar (database versions not stated): gnomAD 0.06925; TOPMed 0.07807; 1000 Genomes Project 0.09065; 1000 Genomes Project 30x 0.09322.

Submission:

Illumina Laboratory Services, Illumina
Classification: Benign for Autosomal recessive proximal renal tubular acidosis. Last evaluated: 2018-01-12. Review status: criteria provided, single submitter. Criteria: ICSL Variant Classification Criteria 13 December 2019. Collection method: clinical testing. Allele origin: germline.
Comment: This variant was observed in the ICSL laboratory as part of a predisposition screen in an ostensibly healthy population. It had not been previously curated by ICSL or reported in the Human Gene Mutation Database (HGMD: prior to June 1st, 2018), and was therefore a candidate for classification through an automated scoring system. Utilizing variant allele frequency, disease prevalence and penetrance estimates, and inheritance mode, an automated score was calculated to assess if this variant is too frequent to cause the disease. Based on the score and internal cut-off values, a variant classified as benign is not then subjected to further curation. The score for this variant resulted in a classification of benign for this disease.

NM_001098484.3(SLC4A4):c.*1377G>C

Gene: SLC4A4 (solute carrier family 4 member 4; plus strand). Cytogenetic location: 4q13.3.
Variant type: single nucleotide variant.
Coding change: c.*1377G>C on transcript NM_001098484.3 (MANE Select); 1377 bases downstream of the stop codon, G replaced by C.
Molecular consequence: 3 prime UTR variant.
Genome position (GRCh38, 1-based): chr4:71,569,128, G>C. VCF-style: chr4-71569128-G-C. GRCh37 (hg19) VCF-style: chr4-72434845-G-C.
Other names: c.*1235G>C (NM_001134742.2); c.*1377G>C (NM_003759.4).
Identifiers: ClinVar variation 349580 (VCV000349580.5), dbSNP rs3775157, ClinGen allele CA10621671.